The following is an entry in ClinVar:

NM_152594.3(SPRED1):c.234del (p.Asp79fs)

Gene: SPRED1 (sprouty related EVH1 domain containing 1; plus strand). Cytogenetic location: 15q14.
Variant type: Deletion.
Coding change: c.234del on transcript NM_152594.3 (MANE Select); coding-DNA position 234, one base deleted (A; older notation c.234delA).
Protein change: p.Asp79fs; shifts the reading frame from aspartic acid 79.
Molecular consequence: frameshift variant.
Genome position (GRCh38, 1-based): chr15:38,322,267, A deleted; the last of 6 consecutive A bases (chr15:38,322,262-38,322,267); deleting any one gives the same sequence. VCF-style (leftmost placement, unchanged base first): chr15-38322261-TA-T. GRCh37 (hg19) VCF-style: chr15-38614462-TA-T.
Other names: short protein forms D79fs.
Identifiers: ClinVar variation 3765595 (VCV003765595.1).
Genomic context (GRCh38, chr15:38,322,261, plus strand): 5'-GATATATGTATATTAATTTTTGGTATTTGGCTTTTGTCAGGTGGTTTTGGAATGTATGCT[TA>T]AAAAAGACCTCATTTATAATAAGGTCACTCCAACATTTCACCACTGGAAGATTGATGACA-3'

ClinVar aggregate classification (germline): Likely pathogenic (1 of 4 stars; one submission).

Conditions:
Legius syndrome. Identifiers: Orphanet 137605, MedGen C1969623, MONDO:0012669, OMIM 611431. Disease mechanism: loss of function.

Submission:

Greenwood Genetic Center Diagnostic Laboratories, Greenwood Genetic Center
Classification: Likely pathogenic for Legius syndrome. Last evaluated: 2024-08-19. Review status: criteria provided, single submitter. Criteria: ACMG Guidelines, 2015. Collection method: clinical testing. Allele origin: germline. Affected: yes.
Comment: PVS1, PM2